The following is an entry in ClinVar:

ClinVar aggregate classification (germline): Uncertain significance (1 of 4 stars; one submission).

Conditions:
Dyskeratosis congenita, autosomal dominant 2. Identifiers: MedGen C3151443, MONDO:0013521, OMIM 613989.
Idiopathic Pulmonary Fibrosis. Also called: Idiopathic fibrosing alveolitis, chronic form; idiopathic fibrosing alveolitis. Identifiers: Orphanet 2032, MedGen C1800706, MeSH D054990, MONDO:0800504.

Submission:

Labcorp Genetics (formerly Invitae), Labcorp
Classification: Uncertain significance for Dyskeratosis congenita, autosomal dominant 2; Idiopathic Pulmonary Fibrosis. Last evaluated: 2024-06-13. Review status: criteria provided, single submitter. Criteria: Invitae Variant Classification Sherloc (09022015). Collection method: clinical testing. Allele origin: germline.
Comment: This sequence change replaces leucine, which is neutral and non-polar, with phenylalanine, which is neutral and non-polar, at codon 289 of the TERT protein (p.Leu289Phe). This variant is not present in population databases (gnomAD no frequency). This variant has not been reported in the literature in individuals affected with TERT-related conditions. ClinVar contains an entry for this variant (Variation ID: 1390339). Advanced modeling of protein sequence and biophysical properties (such as structural, functional, and spatial information, amino acid conservation, physicochemical variation, residue mobility, and thermodynamic stability) has been performed at Invitae for this missense variant, however the output from this modeling did not meet the statistical confidence thresholds required to predict the impact of this variant on TERT protein function. In summary, the available evidence is currently insufficient to determine the role of this variant in disease. Therefore, it has been classified as a Variant of Uncertain Significance.

NM_198253.3(TERT):c.865C>T (p.Leu289Phe)

Gene: TERT (telomerase reverse transcriptase; minus strand). Cytogenetic location: 5p15.33.
Variant type: single nucleotide variant.
Coding change: c.865C>T on transcript NM_198253.3 (MANE Select); coding-DNA position 865, C replaced by T.
Protein change: p.Leu289Phe; replaces leucine 289 with phenylalanine.
Molecular consequence: missense variant. On other transcripts: non-coding transcript variant (2).
Genome position (GRCh38, 1-based): chr5:1,294,021, G>A on the plus strand (C>T on the coding strand, the complement: TERT is on the minus strand). VCF-style: chr5-1294021-G-A. GRCh37 (hg19) VCF-style: chr5-1294136-G-A.
Other names: c.865C>T, p.Leu289Phe (NM_001193376.3); short protein forms L289F.
Identifiers: ClinVar variation 1390339 (VCV001390339.6), dbSNP rs1167028240, ClinGen allele CA359056415.